The following is an entry in ClinVar:

NM_007215.4(POLG2):c.1030C>T (p.Arg344Ter)

Genes: MILR1 (mast cell immunoglobulin like receptor 1; plus strand), POLG2 (DNA polymerase gamma 2, accessory subunit; minus strand). Cytogenetic location: 17q23.3.
Variant type: single nucleotide variant.
Coding change: c.1030C>T on transcript NM_007215.4 (MANE Select); coding-DNA position 1030, C replaced by T.
Protein change: p.Arg344Ter; replaces arginine 344 with a stop codon.
Molecular consequence: nonsense.
Genome position (GRCh38, 1-based): chr17:64,485,808, G>A on the plus strand (C>T on the coding strand, the complement: POLG2 is on the minus strand). VCF-style: chr17-64485808-G-A. GRCh37 (hg19) VCF-style: chr17-62481925-G-A.
Other names: short protein forms R344*.
Identifiers: ClinVar variation 1895400 (VCV001895400.16), dbSNP rs782004592, ClinGen allele CA400638063.

ClinVar aggregate classification (germline): Conflicting classifications of pathogenicity. Review status: criteria provided, conflicting classifications (1 of 4 stars). 3 submissions from 3 submitters: Pathogenic (1); Uncertain significance (2). Last evaluated 2025-02-01.

Conditions:
Progressive external ophthalmoplegia with mitochondrial DNA deletions, autosomal dominant 4. Also called: PROGRESSIVE EXTERNAL OPHTHALMOPLEGIA, AUTOSOMAL DOMINANT 4. Identifiers: MedGen C1864668, MONDO:0012415, OMIM 610131.

Allele frequency attached by ClinVar (database versions not stated): gnomAD 0.00001; TOPMed 0.00001.
gnomAD v4.1: 15 of 1,611,942 alleles (0.00093%); highest among the groups gnomAD compares: Admixed American, 0.0017%; no homozygotes.

Submissions (3):

CeGaT Center for Human Genetics Tuebingen
Classification: Uncertain significance. Last evaluated: 2025-02-01. Review status: criteria provided, single submitter. Criteria: CeGaT Center For Human Genetics Tuebingen Variant Classification Criteria Version 2. Collection method: clinical testing. Allele origin: germline. Affected: yes. Observed: 1 variant allele.
Comment: POLG2: PM2, PVS1:Moderate

Labcorp Genetics (formerly Invitae), Labcorp
Classification: Pathogenic. Last evaluated: 2024-06-01. Review status: criteria provided, single submitter. Criteria: Invitae Variant Classification Sherloc (09022015). Collection method: clinical testing. Allele origin: germline.
Comment: This sequence change creates a premature translational stop signal (p.Arg344*) in the POLG2 gene. It is expected to result in an absent or disrupted protein product. Loss-of-function variants in POLG2 are known to be pathogenic (PMID: 28078310, 29625556). This variant is present in population databases (no rsID available, gnomAD 0.003%). This variant has not been reported in the literature in individuals affected with POLG2-related conditions. ClinVar contains an entry for this variant (Variation ID: 1895400). Algorithms developed to predict the effect of sequence changes on RNA splicing suggest that this variant may disrupt the consensus splice site. For these reasons, this variant has been classified as Pathogenic.

Institute of Human Genetics, Clinical Exome/Genome Diagnostics Group, University Hospital Bonn
Classification: Uncertain significance for Progressive external ophthalmoplegia with mitochondrial DNA deletions, autosomal dominant 4. Review status: criteria provided, single submitter. Criteria: ACMG Guidelines, 2015. Collection method: clinical testing. Allele origin: germline. Affected: yes.

Literature cited by the submitters: PubMed 28078310 (cited by Labcorp Genetics (formerly Invitae), Labcorp); PubMed 29625556 (cited by Labcorp Genetics (formerly Invitae), Labcorp).